The following is an entry in ClinVar:

NM_001330691.3(CEP78):c.957G>A (p.Glu319=)

Gene: CEP78 (centrosomal protein 78; plus strand). Cytogenetic location: 9q21.2.
Variant type: single nucleotide variant.
Coding change: c.957G>A on transcript NM_001330691.3 (MANE Select); coding-DNA position 957, G replaced by A.
Protein change: p.Glu319=; no amino-acid change (glutamic acid 319 retained).
Molecular consequence: synonymous variant.
Genome position (GRCh38, 1-based): chr9:78,248,355, G>A. VCF-style: chr9-78248355-G-A. GRCh37 (hg19) VCF-style: chr9-80863271-G-A.
Other names: c.957G>A, p.Glu319= (NM_001098802.3, NM_001330693.3, NM_001330694.2 and 4 more transcripts).
Identifiers: ClinVar variation 968016 (VCV000968016.10), dbSNP rs748210405, ClinGen allele CA5095088.

ClinVar aggregate classification (germline): Uncertain significance. Review status: criteria provided, multiple submitters, no conflicts (2 of 4 stars). 3 submissions from 3 submitters: Uncertain significance (3). Last evaluated 2025-09-21.

Conditions:
CEP78-related disorder. Also called: CEP78-related condition.

Allele frequency attached by ClinVar (database versions not stated): gnomAD exomes below 0.00001; TOPMed below 0.00001; ExAC 0.00001; gnomAD 0.00001.
gnomAD v4.1: 4 of 1,550,456 alleles (0.00026%); highest among the groups gnomAD compares: Admixed American, 0.0017%; no homozygotes.

Submissions (3):

Labcorp Genetics (formerly Invitae), Labcorp
Classification: Uncertain significance. Last evaluated: 2025-09-21. Review status: criteria provided, single submitter. Criteria: Invitae Variant Classification Sherloc (09022015). Collection method: clinical testing. Allele origin: germline.
Comment: This sequence change affects codon 319 of the CEP78 mRNA. It is a 'silent' change, meaning that it does not change the encoded amino acid sequence of the CEP78 protein. This variant also falls at the last nucleotide of exon 7, which is part of the consensus splice site for this exon. This variant is present in population databases (rs748210405, gnomAD 0.003%). This variant has been observed in individual(s) with retinitis pigmentosa (internal data). ClinVar contains an entry for this variant (Variation ID: 968016). Variants that disrupt the consensus splice site are a relatively common cause of aberrant splicing (PMID: 17576681, 9536098). Algorithms developed to predict the effect of sequence changes on RNA splicing suggest that this variant may disrupt the consensus splice site. In summary, the available evidence is currently insufficient to determine the role of this variant in disease. Therefore, it has been classified as a Variant of Uncertain Significance.

PreventionGenetics, part of Exact Sciences
Classification: Uncertain significance for CEP78-related condition. Last evaluated: 2025-08-04. Review status: criteria provided, single submitter. Criteria: ACMG Guidelines, 2015. Collection method: clinical testing. Allele origin: germline.
Comment: The CEP78 c.957G>A variant is not predicted to result in an amino acid change (p.=). To our knowledge, this variant has not been reported in the literature. This variant is located at the final nucleotide position of exon 7 and predicted to alter splicing based on available splicing prediction programs (SpliceAI, Jaganathan et al. 2019. PubMed ID: 30661751). However, the use of computer prediction programs is not equivalent to functional evidence. This variant is reported in 0.0028% of alleles in individuals of Latino descent in gnomAD. At this time, the clinical significance of this variant is uncertain due to the absence of conclusive functional and genetic evidence.

Blueprint Genetics
Classification: Uncertain significance. Last evaluated: 2021-10-22. Review status: criteria provided, single submitter. Criteria: ACMG Guidelines, 2015. Collection method: clinical testing. Allele origin: germline.

Literature cited by the submitters: PubMed 17576681 (cited by Labcorp Genetics (formerly Invitae), Labcorp); PubMed 9536098 (cited by Labcorp Genetics (formerly Invitae), Labcorp).